The following is an entry in ClinVar:

NM_001378452.1(ITPR1):c.2484T>C (p.Asp828=)

Gene: ITPR1 (inositol 1,4,5-trisphosphate receptor type 1; plus strand). Cytogenetic location: 3p26.1.
Variant type: single nucleotide variant.
Coding change: c.2484T>C on transcript NM_001378452.1 (MANE Select); coding-DNA position 2484, T replaced by C.
Protein change: p.Asp828=; no amino-acid change (aspartic acid 828 retained).
Molecular consequence: synonymous variant.
Genome position (GRCh38, 1-based): chr3:4,674,229, T>C. VCF-style: chr3-4674229-T-C. GRCh37 (hg19) VCF-style: chr3-4715913-T-C.
Other names: c.2484T>C, p.Asp828= (NM_001099952.4); c.2439T>C, p.Asp813= (NM_001168272.2, NM_002222.7).
Identifiers: ClinVar variation 4682228 (VCV004682228.2).

ClinVar aggregate classification (germline): Conflicting classifications of pathogenicity. Review status: criteria provided, conflicting classifications (1 of 4 stars). 2 submissions from 2 submitters: Uncertain significance (1); Likely benign (1). Last evaluated 2025-08-04.

gnomAD v4.1: 8 of 1,556,820 alleles (0.00051%); highest among the groups gnomAD compares: Middle Eastern, 0.017%; no homozygotes.

Submissions (2):

Athena Diagnostics
Classification: Uncertain significance. Last evaluated: 2025-08-04. Review status: criteria provided, single submitter. Criteria: Athena Diagnostics Criteria. Collection method: clinical testing. Allele origin: unknown.
Comment: Available data are insufficient to determine the clinical significance of the variant at this time. The frequency of this variant in the general population is uninformative in assessment of its pathogenicity. Computational tools yielded predictions that this variant is unlikely to have an effect on normal RNA splicing.

Labcorp Genetics (formerly Invitae), Labcorp
Classification: Likely benign. Last evaluated: 2025-02-16. Review status: criteria provided, single submitter. Criteria: Invitae Variant Classification Sherloc (09022015). Collection method: clinical testing. Allele origin: germline.